The following is an entry in ClinVar:

ClinVar aggregate classification (germline): Uncertain significance (1 of 4 stars; one submission).

Allele frequency attached by ClinVar (database versions not stated): TOPMed 0.00001; gnomAD exomes 0.00004; gnomAD 0.00005; ExAC 0.00007; ESP Exome Variant Server 0.00015; 1000 Genomes Project 30x 0.00016; 1000 Genomes Project 0.00020.
gnomAD v4.1: 72 of 1,613,602 alleles (0.0045%); highest among the groups gnomAD compares: South Asian, 0.047%; no homozygotes.

Submission:

GeneDx
Classification: Uncertain significance. Last evaluated: 2024-10-01. Review status: criteria provided, single submitter. Criteria: GeneDx Variant Classification Process June 2021. Collection method: clinical testing. Allele origin: germline. Affected: yes.
Comment: In silico analysis indicates that this missense variant does not alter protein structure/function; Has not been previously published as pathogenic or benign to our knowledge

NM_016194.4(GNB5):c.718G>A (p.Val240Ile)

Gene: GNB5 (G protein subunit beta 5; minus strand). Cytogenetic location: 15q21.2.
Variant type: single nucleotide variant.
Coding change: c.718G>A on transcript NM_016194.4 (MANE Select); coding-DNA position 718, G replaced by A.
Protein change: p.Val240Ile; replaces valine 240 with isoleucine.
Molecular consequence: missense variant.
Genome position (GRCh38, 1-based): chr15:52,135,666, C>T on the plus strand (G>A on the coding strand, the complement: GNB5 is on the minus strand). VCF-style: chr15-52135666-C-T. GRCh37 (hg19) VCF-style: chr15-52427863-C-T.
Other names: c.436G>A, p.Val146Ile (NM_001379343.1); c.592G>A, p.Val198Ile (NM_006578.4); short protein forms V146I, V198I, V240I.
Identifiers: ClinVar variation 1878938 (VCV001878938.2), dbSNP rs149759916, ClinGen allele CA7565674.
Genomic context (GRCh38, chr15:52,135,666, plus strand): 5'-TCTTTACCCCAGACACGAAGGTGTTTCCAGTTTCTGAGGGGGCCAGGTCCAAGCAGAGGA[C>T]GTCAGCCCCATGTCCGTGGAAGCTCTGCAGCAGCTGCCCGCTCTCCACGTCCCACAGGGC-3'
Protein context (NP_057278.2, residues 230-250): LQSFHGHGAD[Val240Ile]LCLDLAPSET